The following is an entry in ClinVar:

NM_001387283.1(SMARCA4):c.4240_4244delinsAGCGTGCAGAACGTGCAC (p.Leu1414fs)

Gene: SMARCA4 (SWI/SNF related BAF chromatin remodeling complex subunit ATPase 4; plus strand). Cytogenetic location: 19p13.2.
Variant type: Indel.
Coding change: c.4240_4244delinsAGCGTGCAGAACGTGCAC on transcript NM_001387283.1 (MANE Plus Clinical); coding-DNA positions 4240 to 4244, CTTCA replaced by AGCGTGCAGAACGTGCAC.
Protein change: p.Leu1414fs; shifts the reading frame from leucine 1414.
Molecular consequence: frameshift variant. On other transcripts: intron variant (7).
Genome position (GRCh38, 1-based): chr19:11,039,527-11,039,531, CTTCA replaced by AGCGTGCAGAACGTGCAC. VCF-style: chr19-11039527-CTTCA-AGCGTGCAGAACGTGCAC. GRCh37 (hg19) VCF-style: chr19-11150203-CTTCA-AGCGTGCAGAACGTGCAC.
Other names: c.4072-1780_4072-1776delinsAGCGTGCAGAACGTGCAC (NM_001128848.2, NM_001374457.1, NM_001128847.4); c.4072-1771_4072-1767delinsAGCGTGCAGAACGTGCAC (NM_001128845.2, NM_001128846.2); c.4240_4244delinsAGCGTGCAGAACGTGCAC, p.Leu1414fs (NM_001128849.3); c.4141_4145delinsAGCGTGCAGAACGTGCAC, p.Leu1381fs (NM_001411150.1); c.4171-1780_4171-1776delinsAGCGTGCAGAACGTGCAC (NM_001128844.3, NM_003072.5); short protein forms L1381fs, L1414fs.
Identifiers: ClinVar variation 3662790 (VCV003662790.2).

ClinVar aggregate classification (germline): Uncertain significance (1 of 4 stars; one submission).

Conditions:
Rhabdoid tumor predisposition syndrome 2 (RTPS2). Identifiers: Orphanet 231108, Orphanet 69077, MedGen C2750074, MONDO:0013224, OMIM 613325.

Submission:

Labcorp Genetics (formerly Invitae), Labcorp
Classification: Uncertain significance for Rhabdoid tumor predisposition syndrome 2. Last evaluated: 2024-10-28. Review status: criteria provided, single submitter. Criteria: Invitae Variant Classification Sherloc (09022015). Collection method: clinical testing. Allele origin: germline.
Comment: This sequence change creates a premature translational stop signal (p.Leu1414Serfs*77) in the SMARCA4 gene. Loss-of-function variants in SMARCA4 are known to be pathogenic (PMID: 24658001, 24658002). However, tissue-specific alternative splicing of SMARCA4 gene results in functional isoforms lacking in-frame exon 30 (also known as exon 28B, PMID: 18437052). For this reason the clinical significance of loss of function variants in exon 30 is currently uncertain. This variant is not present in population databases (gnomAD no frequency). This variant has not been reported in the literature in individuals affected with SMARCA4-related conditions. In summary, the available evidence is currently insufficient to determine the role of this variant in disease. Therefore, it has been classified as a Variant of Uncertain Significance.

Literature cited by the submitters: PubMed 24658001; PubMed 24658002.